The following is an entry in ClinVar:

NM_001447.3(FAT2):c.4563C>T (p.His1521=)

Genes: FAT2 (FAT atypical cadherin 2; minus strand), SLC36A1 (solute carrier family 36 member 1; plus strand). Cytogenetic location: 5q33.1.
Variant type: single nucleotide variant.
Coding change: c.4563C>T on transcript NM_001447.3 (MANE Select); coding-DNA position 4563, C replaced by T.
Protein change: p.His1521=; no amino-acid change (histidine 1521 retained).
Molecular consequence: synonymous variant.
Genome position (GRCh38, 1-based): chr5:151,550,605, G>A on the plus strand (C>T on the coding strand, the complement: FAT2 is on the minus strand). VCF-style: chr5-151550605-G-A. GRCh37 (hg19) VCF-style: chr5-150930166-G-A.
Identifiers: ClinVar variation 773175 (VCV000773175.38), dbSNP rs34635112, ClinGen allele CA3521523.
Genomic context (GRCh38, chr5:151,550,605, plus strand): 5'-ATCTACATGCAAACGTATTCTCACCAGATTTTTCCATTTACTCACCATGACTGTCAGTGT[G>A]TGCTGGGAGGGCCCCGAGCCGAGGTCCAATTTTCCCACCGTTACCAGGACACCACTGCTT-3'
Protein context (NP_001438.1, residues 1511-1531): KLDLGSGPSQ[His1521=]TLTVMVRDQE

ClinVar aggregate classification (germline): Likely benign. Review status: criteria provided, multiple submitters, no conflicts (2 of 4 stars). 4 submissions from 4 submitters: Likely benign (3). 1 of the submissions does not count toward it. Last evaluated 2026-09-01.

Conditions:
FAT2-related disorder. Also called: FAT2-related condition.

Allele frequency attached by ClinVar (database versions not stated): 1000 Genomes Project 30x 0.00125; ExAC 0.00135; gnomAD 0.00136 and 0.00145; gnomAD exomes 0.00141; TOPMed 0.00149; ESP Exome Variant Server 0.00185; 1000 Genomes Project 0.00120.
gnomAD v4.1: 3,946 of 1,614,098 alleles (0.24%); highest among the groups gnomAD compares: Non-Finnish European, 0.31%; 14 homozygotes.

Submissions (4):

CeGaT Center for Human Genetics Tuebingen
Classification: Likely benign. Last evaluated: 2026-09-01. Review status: criteria provided, single submitter. Criteria: CeGaT Center For Human Genetics Tuebingen Variant Classification Criteria Version 2. Collection method: clinical testing. Allele origin: germline. Affected: yes. Observed: 9 variant alleles.
Comment: FAT2: BP4, BP7, BS2

Labcorp Genetics (formerly Invitae), Labcorp
Classification: Likely benign. Last evaluated: 2025-12-17. Review status: criteria provided, single submitter. Criteria: Invitae Variant Classification Sherloc (09022015). Collection method: clinical testing. Allele origin: germline.

Blueprint Genetics
Classification: Likely benign. Last evaluated: 2024-11-21. Review status: criteria provided, single submitter. Criteria: ACMG Guidelines, 2015. Collection method: clinical testing. Allele origin: germline.

PreventionGenetics, part of Exact Sciences
Classification: Likely benign for FAT2-related condition. Last evaluated: 2019-04-29. Review status: no assertion criteria provided. Collection method: clinical testing. Allele origin: germline. Not counted in ClinVar's aggregate classification.
Comment: This variant is classified as likely benign based on ACMG/AMP sequence variant interpretation guidelines (Richards et al. 2015 PMID: 25741868, with internal and published modifications).